The following is an entry in ClinVar:

ClinVar aggregate classification (germline): Uncertain significance (1 of 4 stars; one submission).

Submission:

Ambry Genetics
Classification: Uncertain significance. Last evaluated: 2025-02-13. Review status: criteria provided, single submitter. Criteria: Ambry Variant Classification Scheme 2023. Collection method: clinical testing. Allele origin: germline.
Comment: The p.Q399R variant (also known as c.1196A>G), located in coding exon 7 of the PKP4 gene, results from an A to G substitution at nucleotide position 1196. The glutamine at codon 399 is replaced by arginine, an amino acid with highly similar properties. This amino acid position is conserved. In addition, this alteration is predicted to be tolerated by in silico analysis. Based on the available evidence, the clinical significance of this variant remains unclear.

NM_003628.6(PKP4):c.1196A>G (p.Gln399Arg)

Gene: PKP4 (plakophilin 4; plus strand). Cytogenetic location: 2q24.1.
Variant type: single nucleotide variant.
Coding change: c.1196A>G on transcript NM_003628.6 (MANE Select); coding-DNA position 1196, A replaced by G.
Protein change: p.Gln399Arg; replaces glutamine 399 with arginine.
Molecular consequence: missense variant.
Genome position (GRCh38, 1-based): chr2:158,631,795, A>G. VCF-style: chr2-158631795-A-G. GRCh37 (hg19) VCF-style: chr2-159488307-A-G.
Other names: c.1196A>G, p.Gln399Arg (NM_001005476.4, NM_001304969.3, NM_001304971.2 and 6 more transcripts); c.170A>G, p.Gln57Arg (NM_001304970.3); c.1190A>G, p.Gln397Arg (NM_001377222.1, NM_001377223.1, NM_001377224.1); short protein forms Q399R, Q397R, Q57R.
Identifiers: ClinVar variation 3889690 (VCV003889690.1).